The following is an entry in ClinVar:

ClinVar aggregate classification (germline): Uncertain significance (1 of 4 stars; one submission).

Conditions:
Hereditary cancer-predisposing syndrome. Also called: Neoplastic Syndromes, Hereditary; Tumor predisposition; Hereditary Cancer Syndrome; Hereditary neoplastic syndrome. Identifiers: Orphanet 140162, MedGen C0027672, MeSH D009386, MONDO:0015356.

Submission:

Ambry Genetics
Classification: Uncertain significance for Hereditary cancer-predisposing syndrome. Last evaluated: 2025-10-29. Review status: criteria provided, single submitter. Criteria: Ambry Variant Classification Scheme 2023. Collection method: clinical testing. Allele origin: germline.
Comment: The p.P687T variant (also known as c.2059C>A), located in coding exon 11 of the BARD1 gene, results from a C to A substitution at nucleotide position 2059. The proline at codon 687 is replaced by threonine, an amino acid with highly similar properties. This amino acid position is conserved. In addition, this alteration is predicted to be tolerated by in silico analysis. Based on the available evidence, the clinical significance of this variant remains unclear.

NM_000465.4(BARD1):c.2059C>A (p.Pro687Thr)

Gene: BARD1 (BRCA1 associated RING domain 1; minus strand). Cytogenetic location: 2q35.
Variant type: single nucleotide variant.
Coding change: c.2059C>A on transcript NM_000465.4 (MANE Select); coding-DNA position 2059, C replaced by A.
Protein change: p.Pro687Thr; replaces proline 687 with threonine.
Molecular consequence: missense variant. On other transcripts: non-coding transcript variant (3).
Genome position (GRCh38, 1-based): chr2:214,728,951, G>T on the plus strand (C>A on the coding strand, the complement: BARD1 is on the minus strand). VCF-style: chr2-214728951-G-T. GRCh37 (hg19) VCF-style: chr2-215593675-G-T.
Other names: c.2002C>A, p.Pro668Thr (NM_001282543.2); c.706C>A, p.Pro236Thr (NM_001282545.2); c.649C>A, p.Pro217Thr (NM_001282548.2); c.520C>A, p.Pro174Thr (NM_001282549.2); short protein forms P174T, P668T, P687T, P217T, P236T.
Identifiers: ClinVar variation 4621725 (VCV004621725.1).